The following is an entry in ClinVar:

ClinVar aggregate classification (germline): Conflicting classifications of pathogenicity. Review status: criteria provided, conflicting classifications (1 of 4 stars). 9 submissions from 7 submitters: Uncertain significance (6); Likely benign (2). 1 of the submissions does not count toward it. Last evaluated 2026-01-11.

Conditions:
Renal-hepatic-pancreatic dysplasia 1 (RHPD1). Identifiers: MedGen C3715199, MONDO:0008833, OMIM 208540.
NPHP3-related Meckel-like syndrome. Also called: GOLDSTON SYNDROME; Meckel syndrome type 7. Identifiers: Orphanet 3032, MedGen C2673885, MONDO:0009966, OMIM 267010.
Nephronophthisis 3 (NPHP3). Also called: Adolescent nephronophthisis. Identifiers: Orphanet 655, MedGen C1858392, MONDO:0011456, OMIM 604387.
Inborn genetic diseases. Identifiers: MedGen C0950123, MeSH D030342.
Nephronophthisis. Also called: Juvenile Nephronophthisis. Identifiers: Orphanet 655, MedGen C0687120, MONDO:0019005, HP:0000090.

Allele frequency attached by ClinVar (database versions not stated): gnomAD exomes 0.00007; ExAC 0.00011; 1000 Genomes Project 30x 0.00016; 1000 Genomes Project 0.00020; gnomAD 0.00024 and 0.00026; TOPMed 0.00033; ESP Exome Variant Server 0.00054.
gnomAD v4.1: 65 of 1,614,046 alleles (0.004%); highest among the groups gnomAD compares: African/African-American, 0.08%; no homozygotes.

Submissions (9):

Labcorp Genetics (formerly Invitae), Labcorp
Classification: Likely benign for Nephronophthisis. Last evaluated: 2026-01-11. Review status: criteria provided, single submitter. Criteria: Invitae Variant Classification Sherloc (09022015). Collection method: clinical testing. Allele origin: germline.

Ambry Genetics
Classification: Uncertain significance for Inborn genetic diseases. Last evaluated: 2025-01-03. Review status: criteria provided, single submitter. Criteria: Ambry Variant Classification Scheme 2023. Collection method: clinical testing. Allele origin: germline.

Blueprint Genetics
Classification: Likely benign. Last evaluated: 2022-06-20. Review status: criteria provided, single submitter. Criteria: ACMG Guidelines, 2015. Collection method: clinical testing. Allele origin: germline.

Fulgent Genetics
Classification: Uncertain significance for Renal-hepatic-pancreatic dysplasia 1; NPHP3-related Meckel-like syndrome; Nephronophthisis 3. Last evaluated: 2022-04-19. Review status: criteria provided, single submitter. Criteria: ACMG Guidelines, 2015. Collection method: clinical testing. Allele origin: unknown.

Illumina Laboratory Services, Illumina
Classification: Uncertain significance for Renal-hepatic-pancreatic dysplasia 1. Last evaluated: 2018-01-12. Review status: criteria provided, single submitter. Criteria: ICSL Variant Classification Criteria 13 December 2019. Collection method: clinical testing. Allele origin: germline.

Illumina Laboratory Services, Illumina
Classification: Uncertain significance for Nephronophthisis 3. Last evaluated: 2018-01-12. Review status: criteria provided, single submitter. Criteria: ICSL Variant Classification Criteria 13 December 2019. Collection method: clinical testing. Allele origin: germline.

Illumina Laboratory Services, Illumina
Classification: Uncertain significance for NPHP3-related Meckel-like syndrome. Last evaluated: 2018-01-12. Review status: criteria provided, single submitter. Criteria: ICSL Variant Classification Criteria 13 December 2019. Collection method: clinical testing. Allele origin: germline.

Eurofins Ntd Llc (ga)
Classification: Uncertain significance. Last evaluated: 2017-07-19. Review status: criteria provided, single submitter. Criteria: EGL Classification Definitions 2015. Collection method: clinical testing. Allele origin: germline. Observed: 1 variant allele, 1 heterozygote.

Genetic Services Laboratory, University of Chicago
Classification: Uncertain significance. Last evaluated: 2022-08-23. Review status: no assertion criteria provided. Collection method: clinical testing. Allele origin: germline. Affected: no. Not counted in ClinVar's aggregate classification.
Comment: DNA sequence analysis of the NPHP3 gene demonstrated a sequence change, c.1172C>G, in exon 7 that results in an amino acid change, p.Pro391Arg. This sequence change does not appear to have been previously described in individuals with NPHP3-related disorders. This sequence change has been described in the gnomAD database with a frequency of 0.10% in the African subpopulation and 0.0092% in the overall population (dbSNP rs138982161). The p.Pro391Arg change affects a highly conserved amino acid residue located in a domain of the NPHP3 protein that is known to be functional. In-silico pathogenicity prediction tools (SIFT, PolyPhen2, Align GVGD, REVEL) provide contradictory results for the p.Pro391Arg substitution. Due to insufficient evidences and the lack of functional studies, the clinical significance of the p.Pro391Arg change remains unknown at this time.

NM_153240.5(NPHP3):c.1172C>G (p.Pro391Arg)

Genes: NPHP3 (nephrocystin 3; minus strand), NPHP3-ACAD11 (NPHP3-ACAD11 readthrough (NMD candidate); minus strand). Cytogenetic location: 3q22.1.
Variant type: single nucleotide variant.
Coding change: c.1172C>G on transcript NM_153240.5 (MANE Select); coding-DNA position 1172, C replaced by G.
Protein change: p.Pro391Arg; replaces proline 391 with arginine.
Molecular consequence: missense variant. On other transcripts: non-coding transcript variant (1).
Genome position (GRCh38, 1-based): chr3:132,708,204, G>C on the plus strand (C>G on the coding strand, the complement: NPHP3 is on the minus strand). VCF-style: chr3-132708204-G-C. GRCh37 (hg19) VCF-style: chr3-132427048-G-C.
Other names: short protein forms P391R.
Identifiers: ClinVar variation 343389 (VCV000343389.20), dbSNP rs138982161, ClinGen allele CA2622379.